The following is an entry in ClinVar:

NM_000094.4(COL7A1):c.8440+1G>A

Gene: COL7A1 (collagen type VII alpha 1 chain; minus strand). Cytogenetic location: 3p21.31.
Variant type: single nucleotide variant.
Coding change: c.8440+1G>A on transcript NM_000094.4 (MANE Select); the canonical splice donor site of the intron after coding-DNA position 8440, G replaced by A.
Molecular consequence: splice donor variant.
Genome position (GRCh38, 1-based): chr3:48,565,635, C>T on the plus strand (G>A on the coding strand, the complement: COL7A1 is on the minus strand). VCF-style: chr3-48565635-C-T. GRCh37 (hg19) VCF-style: chr3-48603068-C-T.
Identifiers: ClinVar variation 1066389 (VCV001066389.6), dbSNP rs1001774733, ClinGen allele CA73970347.

ClinVar aggregate classification (germline): Likely pathogenic. Review status: criteria provided, single submitter (1 of 4 stars). 2 submissions from 2 submitters: Likely pathogenic (1). 1 of the submissions does not count toward it. Last evaluated 2024-01-11.

Conditions:
Epidermolysis bullosa dystrophica. Also called: Dystrophic epidermolysis bullosa, Hallopeau-Siemens type (formerly); Dystrophic epidermolysis bullosa. Identifiers: Orphanet 303, MedGen C0079294, MONDO:0006543.

Allele frequency attached by ClinVar (database versions not stated): gnomAD exomes below 0.00001; gnomAD 0.00001; TOPMed 0.00001.
gnomAD v4.1: 6 of 1,613,846 alleles (0.00037%); highest among the groups gnomAD compares: South Asian, 0.0022%; no homozygotes.

Submissions (2):

Labcorp Genetics (formerly Invitae), Labcorp
Classification: Likely pathogenic. Last evaluated: 2024-01-11. Review status: criteria provided, single submitter. Criteria: Invitae Variant Classification Sherloc (09022015). Collection method: clinical testing. Allele origin: germline.
Comment: This sequence change affects a donor splice site in intron 114 of the COL7A1 gene. It is expected to disrupt RNA splicing. Variants that disrupt the donor or acceptor splice site typically lead to a loss of protein function (PMID: 16199547), and loss-of-function variants in COL7A1 are known to be pathogenic (PMID: 16971478). This variant is not present in population databases (gnomAD no frequency). This variant has not been reported in the literature in individuals affected with COL7A1-related conditions. ClinVar contains an entry for this variant (Variation ID: 1066389). Algorithms developed to predict the effect of sequence changes on RNA splicing suggest that this variant may disrupt the consensus splice site. In summary, the currently available evidence indicates that the variant is pathogenic, but additional data are needed to prove that conclusively. Therefore, this variant has been classified as Likely Pathogenic.

Natera, Inc.
Classification: Likely pathogenic for Dystrophic epidermolysis bullosa. Last evaluated: 2021-04-06. Review status: no assertion criteria provided. Collection method: clinical testing. Allele origin: germline. Not counted in ClinVar's aggregate classification.

Literature cited by the submitters: PubMed 16199547 (cited by Labcorp Genetics (formerly Invitae), Labcorp); PubMed 16971478 (cited by Labcorp Genetics (formerly Invitae), Labcorp).